The following is an entry in ClinVar:

ClinVar aggregate classification (germline): Uncertain significance. Review status: criteria provided, multiple submitters, no conflicts (2 of 4 stars). 2 submissions from 2 submitters: Uncertain significance (2). Last evaluated 2023-07-11.

Allele frequency attached by ClinVar (database versions not stated): ExAC 0.00003; gnomAD 0.00002; TOPMed 0.00003.
gnomAD v4.1: 34 of 1,613,264 alleles (0.0021%); highest among the groups gnomAD compares: Admixed American, 0.025%; no homozygotes.

Submissions (2):

GeneDx
Classification: Uncertain significance. Last evaluated: 2023-07-11. Review status: criteria provided, single submitter. Criteria: GeneDx Variant Classification Process June 2021. Collection method: clinical testing. Allele origin: germline. Affected: yes.
Comment: In silico analysis supports that this missense variant has a deleterious effect on protein structure/function; Has not been previously reported as a pathogenic or benign germline variant to our knowledge

Athena Diagnostics
Classification: Uncertain significance. Last evaluated: 2017-09-18. Review status: criteria provided, single submitter. Criteria: Athena Diagnostics Criteria. Collection method: clinical testing. Allele origin: germline.

NM_005529.7(HSPG2):c.11975G>A (p.Arg3992His)

Gene: HSPG2 (heparan sulfate proteoglycan 2; minus strand). Cytogenetic location: 1p36.12.
Variant type: single nucleotide variant.
Coding change: c.11975G>A on transcript NM_005529.7 (MANE Select); coding-DNA position 11975, G replaced by A.
Protein change: p.Arg3992His; replaces arginine 3992 with histidine.
Molecular consequence: missense variant.
Genome position (GRCh38, 1-based): chr1:21,829,400, C>T on the plus strand (G>A on the coding strand, the complement: HSPG2 is on the minus strand). VCF-style: chr1-21829400-C-T. GRCh37 (hg19) VCF-style: chr1-22155893-C-T.
Other names: c.11978G>A, p.Arg3993His (NM_001291860.2); c.11975G>A (NM_005529.5); short protein forms R3992H, R3993H.
Identifiers: ClinVar variation 585978 (VCV000585978.4), dbSNP rs764827758, ClinGen allele CA669565.